The following is an entry in ClinVar:

ClinVar aggregate classification (germline): Benign. Review status: criteria provided, multiple submitters, no conflicts (2 of 4 stars). 3 submissions from 3 submitters: Benign (2). 1 of the submissions does not count toward it. Last evaluated 2026-01-28.

Conditions:
FREM2-related disorder. Also called: FREM2-related condition.
Fraser syndrome 2 (FRASRS2). Identifiers: MedGen C4540036, MONDO:0054738, OMIM 617666.

Allele frequency attached by ClinVar (database versions not stated): gnomAD 0.00001 and 0.00038; ESP Exome Variant Server 0.00008; TOPMed 0.00009; gnomAD exomes 0.00077 and 0.00158; ExAC 0.00184; 1000 Genomes Project 30x 0.00219; 1000 Genomes Project 0.00220.
gnomAD v4.1: 1,191 of 1,613,976 alleles (0.074%); highest among the groups gnomAD compares: South Asian, 1.2%; 18 homozygotes.

Submissions (3):

Labcorp Genetics (formerly Invitae), Labcorp
Classification: Benign. Last evaluated: 2026-01-28. Review status: criteria provided, single submitter. Criteria: Invitae Variant Classification Sherloc (09022015). Collection method: clinical testing. Allele origin: germline.

Illumina Laboratory Services, Illumina
Classification: Benign for Fraser syndrome 2. Last evaluated: 2018-01-13. Review status: criteria provided, single submitter. Criteria: ICSL Variant Classification Criteria 13 December 2019. Collection method: clinical testing. Allele origin: germline.
Comment: This variant was observed in the ICSL laboratory as part of a predisposition screen in an ostensibly healthy population. It had not been previously curated by ICSL or reported in the Human Gene Mutation Database (HGMD: prior to June 1st, 2018), and was therefore a candidate for classification through an automated scoring system. Utilizing variant allele frequency, disease prevalence and penetrance estimates, and inheritance mode, an automated score was calculated to assess if this variant is too frequent to cause the disease. Based on the score and internal cut-off values, a variant classified as benign is not then subjected to further curation. The score for this variant resulted in a classification of benign for this disease.

PreventionGenetics, part of Exact Sciences
Classification: Benign for FREM2-related condition. Last evaluated: 2019-10-02. Review status: no assertion criteria provided. Collection method: clinical testing. Allele origin: germline. Not counted in ClinVar's aggregate classification.
Comment: This variant is classified as benign based on ACMG/AMP sequence variant interpretation guidelines (Richards et al. 2015 PMID: 25741868, with internal and published modifications).

NM_207361.6(FREM2):c.9184G>T (p.Ala3062Ser)

Gene: FREM2 (FRAS1 related extracellular matrix 2; plus strand). Cytogenetic location: 13q13.3.
Variant type: single nucleotide variant.
Coding change: c.9184G>T on transcript NM_207361.6 (MANE Select); coding-DNA position 9184, G replaced by T.
Protein change: p.Ala3062Ser; replaces alanine 3062 with serine.
Molecular consequence: missense variant.
Genome position (GRCh38, 1-based): chr13:38,880,461, G>T. VCF-style: chr13-38880461-G-T. GRCh37 (hg19) VCF-style: chr13-39454598-G-T.
Other names: c.9184G>T (NM_207361.5); short protein forms A3062S.
Identifiers: ClinVar variation 312037 (VCV000312037.14), dbSNP rs140456319, ClinGen allele CA6956326.